The following is an entry in ClinVar:

ClinVar aggregate classification (germline): Likely benign. Review status: criteria provided, single submitter (1 of 4 stars). 2 submissions from 2 submitters: Likely benign (1). 1 of the submissions does not count toward it. Last evaluated 2021-04-29.

Conditions:
TRIO-related disorder. Also called: TRIO-related disorders; TRIO-related condition.

Allele frequency attached by ClinVar (database versions not stated): gnomAD exomes 0.00001 and 0.00009; TOPMed 0.00005; ExAC 0.00006; gnomAD 0.00006 and 0.00007.
gnomAD v4.1: 135 of 1,566,520 alleles (0.0086%); highest among the groups gnomAD compares: Middle Eastern, 0.017%; no homozygotes.

Submissions (2):

GeneDx
Classification: Likely benign. Last evaluated: 2021-04-29. Review status: criteria provided, single submitter. Criteria: GeneDx Variant Classification Process June 2021. Collection method: clinical testing. Allele origin: germline. Affected: yes.

PreventionGenetics, part of Exact Sciences
Classification: Likely benign for TRIO-related condition. Last evaluated: 2023-12-14. Review status: no assertion criteria provided. Collection method: clinical testing. Allele origin: germline. Not counted in ClinVar's aggregate classification.
Comment: This variant is classified as likely benign based on ACMG/AMP sequence variant interpretation guidelines (Richards et al. 2015 PMID: 25741868, with internal and published modifications).

NM_007118.4(TRIO):c.5385G>A (p.Lys1795=)

Gene: TRIO (trio Rho guanine nucleotide exchange factor; plus strand). Cytogenetic location: 5p15.2.
Variant type: single nucleotide variant.
Coding change: c.5385G>A on transcript NM_007118.4 (MANE Select); coding-DNA position 5385, G replaced by A.
Protein change: p.Lys1795=; no amino-acid change (lysine 1795 retained).
Molecular consequence: synonymous variant. On other transcripts: non-coding transcript variant (1).
Genome position (GRCh38, 1-based): chr5:14,461,200, G>A. VCF-style: chr5-14461200-G-A. GRCh37 (hg19) VCF-style: chr5-14461309-G-A.
Other names: c.5385G>A (NM_007118.3).
Identifiers: ClinVar variation 1202083 (VCV001202083.5), dbSNP rs779931941, ClinGen allele CA3206730.